The following is an entry in ClinVar:

NM_198880.3(QRICH1):c.743G>A (p.Arg248His)

Gene: QRICH1 (glutamine rich 1; minus strand). Cytogenetic location: 3p21.31.
Variant type: single nucleotide variant.
Coding change: c.743G>A on transcript NM_198880.3 (MANE Select); coding-DNA position 743, G replaced by A.
Protein change: p.Arg248His; replaces arginine 248 with histidine.
Molecular consequence: missense variant.
Genome position (GRCh38, 1-based): chr3:49,057,457, C>T on the plus strand (G>A on the coding strand, the complement: QRICH1 is on the minus strand). VCF-style: chr3-49057457-C-T. GRCh37 (hg19) VCF-style: chr3-49094890-C-T.
Other names: c.743G>A, p.Arg248His (NM_001320580.2, NM_001320581.2, NM_001320582.2 and 4 more transcripts); short protein forms R248H.
Identifiers: ClinVar variation 2631521 (VCV002631521.1), dbSNP rs1214501563, ClinGen allele CA352672299.

ClinVar aggregate classification (germline): Uncertain significance (1 of 4 stars; one submission).

Conditions:
QRICH1-related disorder. Also called: QRICH1-related condition.

Allele frequency attached by ClinVar (database versions not stated): gnomAD exomes below 0.00001; TOPMed below 0.00001.
gnomAD v4.1: 5 of 1,613,480 alleles (0.00031%); highest among the groups gnomAD compares: East Asian, 0.0022%; no homozygotes.

Submission:

PreventionGenetics, part of Exact Sciences
Classification: Uncertain significance for QRICH1-related condition. Last evaluated: 2023-07-22. Review status: criteria provided, single submitter. Criteria: ACMG Guidelines, 2015. Collection method: clinical testing. Allele origin: germline.
Comment: The QRICH1 c.743G>A variant is predicted to result in the amino acid substitution p.Arg248His. To our knowledge, this variant has not been reported in the literature. This variant is reported in 0.00089% of alleles in individuals of European (Non-Finnish) descent in gnomAD. At this time, the clinical significance of this variant is uncertain due to the absence of conclusive functional and genetic evidence.